The following is an entry in ClinVar:

ClinVar aggregate classification (germline): Likely benign (1 of 4 stars; one submission).

gnomAD v4.1: 159 of 1,613,542 alleles (0.0099%); highest among the groups gnomAD compares: Non-Finnish European, 0.013%; no homozygotes.

Submission:

CeGaT Center for Human Genetics Tuebingen
Classification: Likely benign. Last evaluated: 2025-12-01. Review status: criteria provided, single submitter. Criteria: CeGaT Center For Human Genetics Tuebingen Variant Classification Criteria Version 2. Collection method: clinical testing. Allele origin: germline. Affected: yes. Observed: 1 variant allele.
Comment: SNX8: BP4, BP7

NM_013321.4(SNX8):c.1203G>A (p.Thr401=)

Gene: SNX8 (sorting nexin 8; minus strand). Cytogenetic location: 7p22.3.
Variant type: single nucleotide variant.
Coding change: c.1203G>A on transcript NM_013321.4 (MANE Select); coding-DNA position 1203, G replaced by A.
Protein change: p.Thr401=; no amino-acid change (threonine 401 retained).
Molecular consequence: synonymous variant.
Genome position (GRCh38, 1-based): chr7:2,256,955, C>T on the plus strand (G>A on the coding strand, the complement: SNX8 is on the minus strand). VCF-style: chr7-2256955-C-T. GRCh37 (hg19) VCF-style: chr7-2296590-C-T.
Identifiers: ClinVar variation 4681636 (VCV004681636.5).